The following is an entry in ClinVar:

NM_001171613.2(PREPL):c.1378C>T (p.Gln460Ter)

Gene: PREPL (prolyl endopeptidase like; minus strand). Cytogenetic location: 2p21.
Variant type: single nucleotide variant.
Coding change: c.1378C>T on transcript NM_001171613.2 (MANE Select); coding-DNA position 1378, C replaced by T.
Protein change: p.Gln460Ter; replaces glutamine 460 with a stop codon.
Molecular consequence: nonsense.
Genome position (GRCh38, 1-based): chr2:44,326,813, G>A on the plus strand (C>T on the coding strand, the complement: PREPL is on the minus strand). VCF-style: chr2-44326813-G-A. GRCh37 (hg19) VCF-style: chr2-44553952-G-A.
Other names: c.1459C>T, p.Gln487Ter (NM_001042385.2); c.1447C>T, p.Gln483Ter (NM_001042386.2); c.1645C>T, p.Gln549Ter (NM_001171603.1, NM_001171606.2, NM_001374275.1 and 2 more transcripts); c.1378C>T, p.Gln460Ter (NM_001171617.1, NM_001374277.1); short protein forms Q460*, Q483*, Q487*, Q549*.
Identifiers: ClinVar variation 3251407 (VCV003251407.1), dbSNP rs2466095416.

ClinVar aggregate classification (germline): Pathogenic (1 of 4 stars; one submission).

Conditions:
Myasthenic syndrome, congenital, 22 (CMS22). Also called: PREPL DEFICIENCY. Identifiers: MedGen C4479088, MONDO:0044299, OMIM 616224.

Allele frequency attached by ClinVar (database versions not stated): gnomAD exomes below 0.00001.
gnomAD v4.1: 1 of 1,614,150 alleles (0.000062%); highest among the groups gnomAD compares: Non-Finnish European, 0.000085%; no homozygotes.

Submission:

Women's Health and Genetics/Laboratory Corporation of America, LabCorp
Classification: Pathogenic for Myasthenic syndrome, congenital, 22. Last evaluated: 2024-04-09. Review status: criteria provided, single submitter. Criteria: LabCorp Variant Classification Summary - May 2015. Collection method: clinical testing. Allele origin: germline.
Comment: Variant summary: PREPL c.1645C>T (p.Gln549X) results in a premature termination codon, predicted to cause absence of the protein due to nonsense mediated decay, which is a commonly known mechanism for disease. The variant was absent in 251336 control chromosomes. To our knowledge, no occurrence of c.1645C>T in individuals affected with Myasthenic Syndrome, Congenital, 22 and no experimental evidence demonstrating its impact on protein function have been reported. No submitters have cited clinical-significance assessments for this variant to ClinVar. Based on the evidence outlined above, the variant was classified as pathogenic.